The following is an entry in ClinVar:

NM_001080517.3(SETD5):c.3263A>C (p.Asp1088Ala)

Gene: SETD5 (SET domain containing 5; plus strand). Cytogenetic location: 3p25.3.
Variant type: single nucleotide variant.
Coding change: c.3263A>C on transcript NM_001080517.3 (MANE Select); coding-DNA position 3263, A replaced by C.
Protein change: p.Asp1088Ala; replaces aspartic acid 1088 with alanine.
Molecular consequence: missense variant.
Genome position (GRCh38, 1-based): chr3:9,473,303, A>C. VCF-style: chr3-9473303-A-C. GRCh37 (hg19) VCF-style: chr3-9514987-A-C.
Other names: c.3320A>C, p.Asp1107Ala (NM_001437643.1); c.3302A>C, p.Asp1101Ala (NM_001437701.1); c.2969A>C, p.Asp990Ala (NM_001292043.2, NM_001349451.2); c.3359A>C, p.Asp1120Ala (NM_001437633.1); c.3377A>C, p.Asp1126Ala (NM_001437635.1); short protein forms D1120A, D1101A, D1107A, D990A, D1088A, D1126A.
Identifiers: ClinVar variation 4742042 (VCV004742042.1).

ClinVar aggregate classification (germline): Uncertain significance (1 of 4 stars; one submission).

Submission:

Labcorp Genetics (formerly Invitae), Labcorp
Classification: Uncertain significance. Last evaluated: 2025-03-07. Review status: criteria provided, single submitter. Criteria: Invitae Variant Classification Sherloc (09022015). Collection method: clinical testing. Allele origin: germline.
Comment: This sequence change replaces aspartic acid, which is acidic and polar, with alanine, which is neutral and non-polar, at codon 1088 of the SETD5 protein (p.Asp1088Ala). This variant is not present in population databases (gnomAD no frequency). This variant has not been reported in the literature in individuals affected with SETD5-related conditions. Invitae Evidence Modeling of protein sequence and biophysical properties (such as structural, functional, and spatial information, amino acid conservation, physicochemical variation, residue mobility, and thermodynamic stability) indicates that this missense variant is not expected to disrupt SETD5 protein function with a negative predictive value of 80%. In summary, the available evidence is currently insufficient to determine the role of this variant in disease. Therefore, it has been classified as a Variant of Uncertain Significance.